The following is an entry in ClinVar:

NM_001128840.3(CACNA1D):c.2515G>C (p.Val839Leu)

Gene: CACNA1D (calcium voltage-gated channel subunit alpha1 D; plus strand). Cytogenetic location: 3p21.1.
Variant type: single nucleotide variant.
Coding change: c.2515G>C on transcript NM_001128840.3 (MANE Select); coding-DNA position 2515, G replaced by C.
Protein change: p.Val839Leu; replaces valine 839 with leucine.
Molecular consequence: missense variant.
Genome position (GRCh38, 1-based): chr3:53,732,856, G>C. VCF-style: chr3-53732856-G-C. GRCh37 (hg19) VCF-style: chr3-53766883-G-C.
Other names: c.2575G>C, p.Val859Leu (NM_000720.4); c.2515G>C, p.Val839Leu (NM_001128839.3); short protein forms V859L, V839L.
Identifiers: ClinVar variation 2696715 (VCV002696715.3), dbSNP rs2473796916, ClinGen allele CA353241491.

ClinVar aggregate classification (germline): Uncertain significance (1 of 4 stars; one submission).

Submission:

Labcorp Genetics (formerly Invitae), Labcorp
Classification: Uncertain significance. Last evaluated: 2025-06-16. Review status: criteria provided, single submitter. Criteria: Invitae Variant Classification Sherloc (09022015). Collection method: clinical testing. Allele origin: germline.
Comment: This sequence change replaces valine, which is neutral and non-polar, with leucine, which is neutral and non-polar, at codon 859 of the CACNA1D protein (p.Val859Leu). This variant is not present in population databases (gnomAD no frequency). This variant has not been reported in the literature in individuals affected with CACNA1D-related conditions. ClinVar contains an entry for this variant (Variation ID: 2696715). Invitae Evidence Modeling of protein sequence and biophysical properties (such as structural, functional, and spatial information, amino acid conservation, physicochemical variation, residue mobility, and thermodynamic stability) indicates that this missense variant is not expected to disrupt CACNA1D protein function with a negative predictive value of 80%. In summary, the available evidence is currently insufficient to determine the role of this variant in disease. Therefore, it has been classified as a Variant of Uncertain Significance.